The following is an entry in ClinVar:

ClinVar aggregate classification (germline): Uncertain significance (1 of 4 stars; one submission).

Conditions:
Vein of Galen arteriovenous malformations.

Submission:

Clinical Genomics Laboratory, Washington University in St. Louis
Classification: Uncertain significance for Vein of Galen arteriovenous malformations. Last evaluated: 2025-05-25. Review status: criteria provided, single submitter. Criteria: ACMG Guidelines, 2015. Collection method: clinical testing. Allele origin: germline.
Comment: A CLDN14 c.247C>T (p.Leu83Phe) variant was identified at a heterozygous allelic fraction of 50.5%, a frequency which may be consistent with it being of germline origin. This variant, to our knowledge, has not been reported in the medical literature. This variant is absent from the general population (gnomAD v4.1.0), indicating it is not a common variant. Computational predictors indicate that the variant is damaging, evidence that correlates with impact to CLDN14 function. Due to limited information, and based on ACMG/AMP guidelines for variant interpretation (Richards S et al., PMID: 25741868), the clinical significance of this variant is uncertain at this time.

NM_001146079.2(CLDN14):c.247C>T (p.Leu83Phe)

Genes: CLDN14 (claudin 14; minus strand), CLDN14-AS1 (CLDN14 antisense RNA 1; plus strand). Cytogenetic location: 21q22.13.
Variant type: single nucleotide variant.
Coding change: c.247C>T on transcript NM_001146079.2 (MANE Select); coding-DNA position 247, C replaced by T.
Protein change: p.Leu83Phe; replaces leucine 83 with phenylalanine.
Molecular consequence: missense variant.
Genome position (GRCh38, 1-based): chr21:36,461,449, G>A on the plus strand (C>T on the coding strand, the complement: CLDN14 is on the minus strand). VCF-style: chr21-36461449-G-A. GRCh37 (hg19) VCF-style: chr21-37833747-G-A.
Other names: c.247C>T, p.Leu83Phe (NM_001146077.2, NM_001146078.3, NM_012130.4 and 1 more transcripts); short protein forms L83F.
Identifiers: ClinVar variation 4279790 (VCV004279790.1).